The following is an entry in ClinVar:

ClinVar aggregate classification (germline): Uncertain significance (1 of 4 stars; one submission).

Conditions:
Accelerated tumor formation, susceptibility to (ACTFS). Identifiers: MedGen C3280690, OMIM 614401, MONDO:0013733.

Allele frequency attached by ClinVar (database versions not stated): gnomAD 0.00001; gnomAD exomes 0.00001; TOPMed 0.00001; ExAC 0.00002.
gnomAD v4.1: 16 of 1,599,482 alleles (0.001%); highest among the groups gnomAD compares: Non-Finnish European, 0.0012%; no homozygotes.

Submissions (3):

Labcorp Genetics (formerly Invitae), Labcorp
Classification: Uncertain significance for Accelerated tumor formation, susceptibility to. Last evaluated: 2024-03-16. Review status: criteria provided, single submitter. Criteria: Invitae Variant Classification Sherloc (09022015). Collection method: clinical testing. Allele origin: germline.
Comment: This sequence change affects codon 306 of the MDM2 mRNA. It is a 'silent' change, meaning that it does not change the encoded amino acid sequence of the MDM2 protein. It affects a nucleotide within the consensus splice site. This variant is present in population databases (rs770653304, gnomAD 0.003%). This variant has not been reported in the literature in individuals affected with MDM2-related conditions. ClinVar contains an entry for this variant (Variation ID: 965448). Algorithms developed to predict the effect of sequence changes on RNA splicing suggest that this variant is not likely to affect RNA splicing. In summary, the available evidence is currently insufficient to determine the role of this variant in disease. Therefore, it has been classified as a Variant of Uncertain Significance.

Dr. Peter K. Rogan Lab, Western University
No classification provided (evidence only). Condition: Clear cell carcinoma of kidney. Review status: no classification provided. Collection method: in vitro. Allele origin: not applicable. Functional consequence: retained intron. Not counted in ClinVar's aggregate classification.

Dr. Peter K. Rogan Lab, Western University
No classification provided (evidence only). Condition: Familial cancer of breast. Review status: no classification provided. Collection method: in vitro. Allele origin: not applicable. Functional consequence: retained intron. Not counted in ClinVar's aggregate classification.

NM_002392.6(MDM2):c.918T>C (p.Ala306=)

Gene: MDM2 (MDM2 proto-oncogene; plus strand). Cytogenetic location: 12q15.
Variant type: single nucleotide variant.
Coding change: c.918T>C on transcript NM_002392.6 (MANE Select); coding-DNA position 918, T replaced by C.
Protein change: p.Ala306=; no amino-acid change (alanine 306 retained).
Molecular consequence: synonymous variant. On other transcripts: intron variant (1).
Genome position (GRCh38, 1-based): chr12:68,836,749, T>C. VCF-style: chr12-68836749-T-C. GRCh37 (hg19) VCF-style: chr12-69230529-T-C.
Other names: c.759T>C, p.Ala253= (NM_001145337.3); c.753T>C, p.Ala251= (NM_001145339.2); c.390T>C, p.Ala130= (NM_001278462.2); c.900T>C, p.Ala300= (NM_001367990.1); c.312+765T>C (NM_001145340.3).
Identifiers: ClinVar variation 965448 (VCV000965448.10), dbSNP rs770653304, ClinGen allele CA6678818.
Genomic context (GRCh38, chr12:68,836,749, plus strand): 5'-GTATCAGGCAGGGGAGAGTGATACAGATTCATTTGAAGAAGATCCTGAAATTTCCTTAGC[T>C]GTAAGTATACATCTACTTTTTTAAGAAATAAAAATTTCATTAAGGTCAAGATTAGGAGAC-3'
Protein context (NP_002383.2, residues 296-316): SFEEDPEISL[Ala306=]DYWKCTSCNE